The following is an entry in ClinVar:

ClinVar aggregate classification (germline): Likely benign. Review status: criteria provided, multiple submitters, no conflicts (2 of 4 stars). 5 submissions from 5 submitters: Likely benign (5). Last evaluated 2025-12-26.

Conditions:
Glycogen storage disease type III (GSD3). Also called: FORBES DISEASE; Cori disease. Identifiers: Orphanet 366, MedGen C0017922, MONDO:0009291, OMIM 232400.

Allele frequency attached by ClinVar (database versions not stated): TOPMed 0.00004; gnomAD 0.00005 and 0.00006; gnomAD exomes 0.00008 and 0.00011; ExAC 0.00015; ESP Exome Variant Server 0.00023.
gnomAD v4.1: 164 of 1,613,870 alleles (0.01%); highest among the groups gnomAD compares: Non-Finnish European, 0.013%; no homozygotes.

Submissions (5):

Labcorp Genetics (formerly Invitae), Labcorp
Classification: Likely benign for Glycogen storage disease type III. Last evaluated: 2025-12-26. Review status: criteria provided, single submitter. Criteria: Invitae Variant Classification Sherloc (09022015). Collection method: clinical testing. Allele origin: germline.

Mayo Clinic Laboratories, Mayo Clinic
Classification: Likely benign. Last evaluated: 2025-10-07. Review status: criteria provided, single submitter. Criteria: ACMG Guidelines, 2015. Collection method: clinical testing. Allele origin: germline. Observed: 1 variant allele.
Comment: BP4, BP7

Blueprint Genetics
Classification: Likely benign. Last evaluated: 2024-10-09. Review status: criteria provided, single submitter. Criteria: ACMG Guidelines, 2015. Collection method: clinical testing. Allele origin: germline.

Genome-Nilou Lab
Classification: Likely benign for Glycogen storage disease type III. Last evaluated: 2023-04-11. Review status: criteria provided, single submitter. Criteria: ACMG Guidelines, 2015. Collection method: clinical testing. Allele origin: germline. Affected: no.

GeneDx
Classification: Likely benign. Last evaluated: 2017-10-05. Review status: criteria provided, single submitter. Criteria: GeneDx Variant Classification (06012015). Collection method: clinical testing. Allele origin: germline. Affected: yes.
Comment: This variant is considered likely benign or benign based on one or more of the following criteria: it is a conservative change, it occurs at a poorly conserved position in the protein, it is predicted to be benign by multiple in silico algorithms, and/or has population frequency not consistent with disease.

NM_000642.3(AGL):c.103T>C (p.Leu35=)

Gene: AGL (amylo-alpha-1,6-glucosidase and 4-alpha-glucanotransferase; plus strand). Cytogenetic location: 1p21.2.
Variant type: single nucleotide variant.
Coding change: c.103T>C on transcript NM_000642.3 (MANE Select); coding-DNA position 103, T replaced by C.
Protein change: p.Leu35=; no amino-acid change (leucine 35 retained).
Molecular consequence: synonymous variant.
Genome position (GRCh38, 1-based): chr1:99,861,523, T>C. VCF-style: chr1-99861523-T-C. GRCh37 (hg19) VCF-style: chr1-100327079-T-C.
Other names: p.Leu35=; c.103T>C, p.Leu35= (NM_000028.3, NM_000643.3, NM_000644.3 and 5 more transcripts); c.55T>C, p.Leu19= (NM_000646.3).
Identifiers: ClinVar variation 512135 (VCV000512135.14), dbSNP rs370307706, ClinGen allele CA966062.